The following is an entry in ClinVar:

ClinVar aggregate classification (germline): Pathogenic (1 of 4 stars; one submission).

Conditions:
Neuropathy, hereditary sensory and autonomic, type 2A (HSAN2A). Also called: HSAN IIA; ACROOSTEOLYSIS, GIACCAI TYPE; ACROOSTEOLYSIS, NEUROGENIC; MORVAN DISEASE; NEUROPATHY, CONGENITAL SENSORY; NEUROPATHY, HEREDITARY SENSORY RADICULAR, AUTOSOMAL RECESSIVE. Identifiers: Orphanet 970, MedGen C2752089, MONDO:0024309, OMIM 201300.
Generalized epilepsy with febrile seizures plus, type 7 (GEFSP7). Also called: GEFS+, TYPE 7. Identifiers: Orphanet 36387, MedGen C2751778, MONDO:0013470, OMIM 613863.

Submission:

Labcorp Genetics (formerly Invitae), Labcorp
Classification: Pathogenic for Neuropathy, hereditary sensory and autonomic, type 2A; Generalized epilepsy with febrile seizures plus, type 7. Last evaluated: 2024-04-27. Review status: criteria provided, single submitter. Criteria: Invitae Variant Classification Sherloc (09022015). Collection method: clinical testing. Allele origin: germline.
Comment: This sequence change creates a premature translational stop signal (p.Gly849Valfs*4) in the SCN9A gene. It is expected to result in an absent or disrupted protein product. Loss-of-function variants in SCN9A are known to be pathogenic (PMID: 17470132, 19304393). This variant is not present in population databases (gnomAD no frequency). This variant has not been reported in the literature in individuals affected with SCN9A-related conditions. For these reasons, this variant has been classified as Pathogenic.

Literature cited by the submitters: PubMed 17470132; PubMed 19304393.

NM_001365536.1(SCN9A):c.2579del (p.Gly860fs)

Genes: SCN9A (sodium voltage-gated channel alpha subunit 9; minus strand), SCN1A-AS1 (SCN1A and SCN9A antisense RNA 1; plus strand). Cytogenetic location: 2q24.3.
Variant type: Deletion.
Coding change: c.2579del on transcript NM_001365536.1 (MANE Select); coding-DNA position 2579, one base deleted (G; older notation c.2579delG).
Protein change: p.Gly860fs; shifts the reading frame from glycine 860.
Molecular consequence: frameshift variant.
Genome position (GRCh38, 1-based): chr2:166,277,278, C deleted on the plus strand (G on the coding strand, the reverse complement: SCN9A is on the minus strand); the first of 2 consecutive C bases (chr2:166,277,278-166,277,279); deleting either gives the same sequence. VCF-style (leftmost placement, unchanged base first): chr2-166277277-AC-A. GRCh37 (hg19) VCF-style: chr2-167133787-AC-A.
Other names: c.2546del, p.Gly849fs (NM_002977.4); short protein forms G849fs, G860fs.
Identifiers: ClinVar variation 3761357 (VCV003761357.2).